The following is an entry in ClinVar:

NM_020831.6(MRTFA):c.2244C>A (p.Ser748Arg)

Gene: MRTFA (myocardin related transcription factor A; minus strand). Cytogenetic location: 22q13.1.
Variant type: single nucleotide variant.
Coding change: c.2244C>A on transcript NM_020831.6 (MANE Select); coding-DNA position 2244, C replaced by A.
Protein change: p.Ser748Arg; replaces serine 748 with arginine.
Molecular consequence: missense variant.
Genome position (GRCh38, 1-based): chr22:40,418,494, G>T on the plus strand (C>A on the coding strand, the complement: MRTFA is on the minus strand). VCF-style: chr22-40418494-G-T. GRCh37 (hg19) VCF-style: chr22-40814498-G-T.
Other names: c.1944C>A, p.Ser648Arg (NM_001282660.2); c.2094C>A, p.Ser698Arg (NM_001282661.3); c.2244C>A, p.Ser748Arg (NM_001282662.3); c.2049C>A, p.Ser683Arg (NM_001318139.2); short protein forms S683R, S698R, S648R, S748R.
Identifiers: ClinVar variation 1916170 (VCV001916170.5), dbSNP rs934272367, ClinGen allele CA411657582.
Genomic context (GRCh38, chr22:40,418,494, plus strand): 5'-GACAAGGTGGGTCCCTGTGGAGTCGGTGATGAGGGTGGGAGGTGCAACCCCCTTGATGAG[G>T]CTGGGGCCCTGAGGCCCCAGAAGCAACTGGGGGGCGGGGACCGGCTCGGGCTCAGGCTGC-3'
Protein context (NP_065882.2, residues 738-758): PQLLLGPQGP[Ser748Arg]LIKGVAPPTL

ClinVar aggregate classification (germline): Uncertain significance (1 of 4 stars; one submission).

gnomAD v4.1: 37 of 1,607,118 alleles (0.0023%); highest among the groups gnomAD compares: Non-Finnish European, 0.0031%; no homozygotes.

Submission:

Labcorp Genetics (formerly Invitae), Labcorp
Classification: Uncertain significance. Last evaluated: 2024-01-25. Review status: criteria provided, single submitter. Criteria: Invitae Variant Classification Sherloc (09022015). Collection method: clinical testing. Allele origin: germline.
Comment: This sequence change replaces serine, which is neutral and polar, with arginine, which is basic and polar, at codon 648 of the MKL1 protein (p.Ser648Arg). This variant is present in population databases (no rsID available, gnomAD 0.002%). This variant has not been reported in the literature in individuals affected with MKL1-related conditions. ClinVar contains an entry for this variant (Variation ID: 1916170). An algorithm developed to predict the effect of missense changes on protein structure and function (PolyPhen-2) suggests that this variant is likely to be tolerated. In summary, the available evidence is currently insufficient to determine the role of this variant in disease. Therefore, it has been classified as a Variant of Uncertain Significance.